The following is an entry in ClinVar:

ClinVar aggregate classification (germline): Uncertain significance (1 of 4 stars; one submission).

Conditions:
Hereditary cancer-predisposing syndrome. Also called: Neoplastic Syndromes, Hereditary; Tumor predisposition; Hereditary neoplastic syndrome; Hereditary Cancer Syndrome. Identifiers: Orphanet 140162, MedGen C0027672, MeSH D009386, MONDO:0015356.

Submission:

Ambry Genetics
Classification: Uncertain significance for Hereditary cancer-predisposing syndrome. Last evaluated: 2022-12-19. Review status: criteria provided, single submitter. Criteria: Ambry Variant Classification Scheme 2023. Collection method: clinical testing. Allele origin: germline.
Comment: The p.E2298A variant (also known as c.6893A>C), located in coding exon 11 of the BRCA2 gene, results from an A to C substitution at nucleotide position 6893. The glutamic acid at codon 2298 is replaced by alanine, an amino acid with dissimilar properties. This amino acid position is conserved. In addition, the in silico prediction for this alteration is inconclusive. Since supporting evidence is limited at this time, the clinical significance of this alteration remains unclear.

NM_000059.4(BRCA2):c.6893A>C (p.Glu2298Ala)

Gene: BRCA2 (BRCA2 DNA repair associated; plus strand). Cytogenetic location: 13q13.1.
Variant type: single nucleotide variant.
Coding change: c.6893A>C on transcript NM_000059.4 (MANE Select); coding-DNA position 6893, A replaced by C.
Protein change: p.Glu2298Ala; replaces glutamic acid 2298 with alanine.
Molecular consequence: missense variant. On other transcripts: non-coding transcript variant (1), intron variant (1).
Genome position (GRCh38, 1-based): chr13:32,344,609, A>C. VCF-style: chr13-32344609-A-C. GRCh37 (hg19) VCF-style: chr13-32918746-A-C.
Other names: c.6893A>C, p.Glu2298Ala (NM_001406720.1); c.1961A>C, p.Glu654Ala (NM_001406721.1); c.476A>C, p.Glu159Ala (NM_001406722.1); c.6842-2218A>C (NM_001406719.1); short protein forms E2298A, E159A, E654A.
Identifiers: ClinVar variation 2451517 (VCV002451517.2), dbSNP rs2137537139, ClinGen allele CA387792809.